The following is an entry in ClinVar:

ClinVar aggregate classification (germline): Uncertain significance (1 of 4 stars; one submission).

Conditions:
Diamond-Blackfan anemia. Also called: Aase syndrome; Blackfan Diamond syndrome; Aregenerative anemia chronic congenital; Red cell aplasia, pure hereditary; Congenital hypoplastic anemia. Identifiers: Orphanet 124, MedGen C1260899, MeSH D029503, MONDO:0015253, HP:0004810.

Submission:

Labcorp Genetics (formerly Invitae), Labcorp
Classification: Uncertain significance for Diamond-Blackfan anemia. Last evaluated: 2018-05-03. Review status: criteria provided, single submitter. Criteria: Invitae Variant Classification Sherloc (09022015). Collection method: clinical testing. Allele origin: germline.
Comment: This variant results in a copy number gain of the genomic region encompassing exons 3-4 of the RPL26 gene. The 5' boundary is likely confined to intron 2. The 3' end of this event is unknown as it extends beyond the assayed region for this gene and therefore may encompass additional genes. As the precise location of this event is unknown, it may be in tandem or it may be located elsewhere in the genome. This variant has not been reported in the literature in individuals with RPL26-related disease. In summary, the available evidence is currently insufficient to determine the role of this variant in disease. Therefore, it has been classified as a Variant of Uncertain Significance.

NC_000017.10:g.(?_8192101)_(8283260_?)dup

Genes: ARHGEF15 (Rho guanine nucleotide exchange factor 15; plus strand), RPL26 (ribosomal protein L26; minus strand), SLC25A35 (solute carrier family 25 member 35; minus strand), KRABD2 (KRAB domain containing 2; minus strand), RANGRF (RAN guanine nucleotide release factor; plus strand) and 1 more. Cytogenetic location: 17p13.1.
Variant type: Duplication.
Identifiers: ClinVar variation 1062439 (VCV001062439.3).